The following is an entry in ClinVar:

ClinVar aggregate classification (germline): Benign (1 of 4 stars; one submission).

Conditions:
Pheochromocytoma. Also called: MAX-Related Hereditary Paraganglioma-Pheochromocytoma Syndrome. Identifiers: Orphanet 29072, MedGen C0031511, MONDO:0008233, OMIM 171300, HP:0002666.

Allele frequency attached by ClinVar (database versions not stated): gnomAD exomes 0.00026; 1000 Genomes Project 0.00280; gnomAD 0.00292 and 0.00319; 1000 Genomes Project 30x 0.00297; TOPMed 0.00302.
gnomAD v4.1: 729 of 1,276,644 alleles (0.057%); highest among the groups gnomAD compares: African/African-American, 1.1%; 5 homozygotes.

Submission:

Illumina Laboratory Services, Illumina
Classification: Benign for Pheochromocytoma. Last evaluated: 2018-01-12. Review status: criteria provided, single submitter. Criteria: ICSL Variant Classification Criteria 13 December 2019. Collection method: clinical testing. Allele origin: germline.
Comment: This variant was observed in the ICSL laboratory as part of a predisposition screen in an ostensibly healthy population. It had not been previously curated by ICSL or reported in the Human Gene Mutation Database (HGMD: prior to June 1st, 2018), and was therefore a candidate for classification through an automated scoring system. Utilizing variant allele frequency, disease prevalence and penetrance estimates, and inheritance mode, an automated score was calculated to assess if this variant is too frequent to cause the disease. Based on the score and internal cut-off values, a variant classified as benign is not then subjected to further curation. The score for this variant resulted in a classification of benign for this disease.

NM_017849.4(TMEM127):c.-87C>T

Genes: TMEM127 (transmembrane protein 127; minus strand), LOC129934333 (ATAC-STARR-seq lymphoblastoid silent region 11759; plus strand). Cytogenetic location: 2q11.2.
Variant type: single nucleotide variant.
Coding change: c.-87C>T on transcript NM_017849.4 (MANE Select); 87 bases upstream of the start codon, C replaced by T.
Molecular consequence: 5 prime UTR variant.
Genome position (GRCh38, 1-based): chr2:96,265,468, G>A on the plus strand (C>T on the coding strand, the complement: TMEM127 is on the minus strand). VCF-style: chr2-96265468-G-A. GRCh37 (hg19) VCF-style: chr2-96931206-G-A.
Other names: c.-87C>T (NM_001193304.3).
Identifiers: ClinVar variation 337510 (VCV000337510.5), dbSNP rs527792197, ClinGen allele CA10616379.